The following is an entry in ClinVar:

ClinVar aggregate classification (germline): Likely pathogenic (1 of 4 stars; one submission).

Conditions:
Epidermodysplasia verruciformis. Identifiers: Orphanet 302, MedGen C0014522, MONDO:0009176.

Allele frequency attached by ClinVar (database versions not stated): ExAC 0.00001.

Submission:

Labcorp Genetics (formerly Invitae), Labcorp
Classification: Likely pathogenic for Epidermodysplasia verruciformis. Last evaluated: 2023-04-24. Review status: criteria provided, single submitter. Criteria: Invitae Variant Classification Sherloc (09022015). Collection method: clinical testing. Allele origin: germline.
Comment: This variant has not been reported in the literature in individuals affected with TMC8-related conditions. In summary, the currently available evidence indicates that the variant is pathogenic, but additional data are needed to prove that conclusively. Therefore, this variant has been classified as Likely Pathogenic. Algorithms developed to predict the effect of sequence changes on RNA splicing suggest that this variant may disrupt the consensus splice site. This variant is present in population databases (rs761524773, gnomAD 0.006%). This sequence change affects a donor splice site in intron 13 of the TMC8 gene. It is expected to disrupt RNA splicing. Variants that disrupt the donor or acceptor splice site typically lead to a loss of protein function (PMID: 16199547), and loss-of-function variants in TMC8 are known to be pathogenic (PMID: 12426567, 22158547).

Literature cited by the submitters: PubMed 16199547; PubMed 12426567; PubMed 22158547.

NM_152468.5(TMC8):c.1664+1G>A

Gene: TMC8 (transmembrane channel like 8; plus strand). Cytogenetic location: 17q25.3.
Variant type: single nucleotide variant.
Coding change: c.1664+1G>A on transcript NM_152468.5 (MANE Select); the canonical splice donor site of the intron after coding-DNA position 1664, G replaced by A.
Molecular consequence: splice donor variant.
Genome position (GRCh38, 1-based): chr17:78,138,480, G>A. VCF-style: chr17-78138480-G-A. GRCh37 (hg19) VCF-style: chr17-76134561-G-A.
Identifiers: ClinVar variation 2919330 (VCV002919330.3), dbSNP rs761524773, ClinGen allele CA8796943.
Genomic context (GRCh38, chr17:78,138,480, plus strand): 5'-GCTAGTGCTCCTCCTGGGCCTGCTTCTGGCTGCAGTGCCCCTGGGCTATGTGGTCAGCAG[G>A]TGAGGGGAAGAGGAGGGGGGCACCCAGAGGCTGGCAGGGGCAGTTTCTCACCCAGGACCC-3'